The following is an entry in ClinVar:

ClinVar aggregate classification (germline): Likely pathogenic (1 of 4 stars; one submission).

Conditions:
Aortic valve disease 2 (AOVD2). Identifiers: MedGen C3542024, MONDO:0013902, OMIM 614823.

Submission:

Medical Genetics Center, Maternal and Child Health Hospital of Hubei Province
Classification: Likely pathogenic for Aortic valve disease 2. Last evaluated: 2025-12-23. Review status: criteria provided, single submitter. Criteria: ACMG Guidelines, 2015. Collection method: clinical testing. Allele origin: de novo. Affected: yes.
Comment: PVS1_Strong+PS2_Supporting+PM2_Supporting

NM_005585.5(SMAD6):c.1213del (p.Arg405fs)

Gene: SMAD6 (SMAD family member 6; plus strand). Cytogenetic location: 15q22.31.
Variant type: Deletion.
Coding change: c.1213del on transcript NM_005585.5 (MANE Select); coding-DNA position 1213, one base deleted (C; older notation c.1213delC).
Protein change: p.Arg405fs; shifts the reading frame from arginine 405.
Molecular consequence: frameshift variant. On other transcripts: non-coding transcript variant (1).
Genome position (GRCh38, 1-based): chr15:66,781,257, C deleted; the last of 2 consecutive C bases (chr15:66,781,256-66,781,257); deleting either gives the same sequence. VCF-style (leftmost placement, unchanged base first): chr15-66781255-AC-A. GRCh37 (hg19) VCF-style: chr15-67073593-AC-A.
Other names: short protein forms R405fs.
Identifiers: ClinVar variation 4890680 (VCV004890680.1).
Genomic context (GRCh38, chr15:66,781,255, plus strand): 5'-GCAGCAAGATCGGCTTCGGCATCCTGCTCAGCAAGGAGCCCGACGGCGTGTGGGCCTACA[AC>A]CGCGGCGAGCACCCCATCTTCGTCAACTCCCCGACGCTGGACGCGCCCGGCGGCCGCGCC-3'